The following is an entry in ClinVar:

ClinVar aggregate classification (germline): Uncertain significance. Review status: criteria provided, multiple submitters, no conflicts (2 of 4 stars). 4 submissions from 4 submitters: Uncertain significance (4). Last evaluated 2025-09-29.

Conditions:
Mitochondrial complex I deficiency, nuclear type 11. Also called: Mitochondrial complex 1 deficiency, nuclear type 11. Identifiers: MedGen C4748769, MONDO:0032617, OMIM 618234.

Allele frequency attached by ClinVar (database versions not stated): gnomAD 0.00003 and 0.00004; gnomAD exomes 0.00004 and 0.00009; ExAC 0.00007; TOPMed 0.00009.

Submissions (4):

Labcorp Genetics (formerly Invitae), Labcorp
Classification: Uncertain significance. Last evaluated: 2025-09-29. Review status: criteria provided, single submitter. Criteria: Invitae Variant Classification Sherloc (09022015). Collection method: clinical testing. Allele origin: germline.
Comment: This sequence change replaces valine, which is neutral and non-polar, with isoleucine, which is neutral and non-polar, at codon 67 of the NDUFAF1 protein (p.Val67Ile). This variant is present in population databases (rs201452351, gnomAD 0.05%). This variant has not been reported in the literature in individuals affected with NDUFAF1-related conditions. ClinVar contains an entry for this variant (Variation ID: 1362095). An algorithm developed to predict the effect of missense changes on protein structure and function (PolyPhen-2) suggests that this variant is likely to be tolerated. In summary, the available evidence is currently insufficient to determine the role of this variant in disease. Therefore, it has been classified as a Variant of Uncertain Significance.

Ambry Genetics
Classification: Uncertain significance. Last evaluated: 2024-12-04. Review status: criteria provided, single submitter. Criteria: Ambry Variant Classification Scheme 2023. Collection method: clinical testing. Allele origin: germline.

Revvity Omics, Revvity
Classification: Uncertain significance for Mitochondrial complex I deficiency, nuclear type 11. Last evaluated: 2023-11-01. Review status: criteria provided, single submitter. Criteria: ACMG Guidelines, 2015. Collection method: clinical testing. Allele origin: germline.

Victorian Clinical Genetics Services, Murdoch Childrens Research Institute
Classification: Uncertain significance for Mitochondrial complex I deficiency, nuclear type 11. Last evaluated: 2022-02-02. Review status: criteria provided, single submitter. Criteria: ACMG Guidelines, 2015. Collection method: clinical testing. Allele origin: germline. Inheritance: Autosomal recessive inheritance. Affected: yes.
Comment: Based on the classification scheme VCGS_Germline_v1.3.4, this variant is classified as VUS-3C. Following criteria are met: 0102 - Loss of function is a known mechanism of disease in this gene and is associated with mitochondrial complex I deficiency, nuclear type 11 (MIM#618234). (I) 0106 - This gene is associated with autosomal recessive disease. (I) 0200 - Variant is predicted to result in a missense amino acid change from valine to isoleucine. (I) 0252 - This variant is homozygous. (I) 0304 - Variant is present in gnomAD <0.01 for a recessive condition (v2: 23 heterozygotes, 0 homozygotes). (SP) 0503 - Missense variant consistently predicted to be tolerated by multiple in silico tools or not conserved in placental mammals with a minor amino acid change. (SB) 0604 - Variant is not located in an established domain, motif, hotspot or informative constraint region. (I) 0705 - No comparable missense variants have previous evidence for pathogenicity. (I) 0807 - This variant has no previous evidence of pathogenicity. (I) 0905 - No published segregation evidence has been identified for this variant. (I) 1007 - No published functional evidence has been identified for this variant. (I) Legend: (SP) - Supporting pathogenic, (I) - Information, (SB) - Supporting benign

NM_016013.4(NDUFAF1):c.199G>A (p.Val67Ile)

Gene: NDUFAF1 (NADH:ubiquinone oxidoreductase complex assembly factor 1; minus strand). Cytogenetic location: 15q15.1.
Variant type: single nucleotide variant.
Coding change: c.199G>A on transcript NM_016013.4 (MANE Select); coding-DNA position 199, G replaced by A.
Protein change: p.Val67Ile; replaces valine 67 with isoleucine.
Molecular consequence: missense variant. On other transcripts: non-coding transcript variant (1).
Genome position (GRCh38, 1-based): chr15:41,396,861, C>T on the plus strand (G>A on the coding strand, the complement: NDUFAF1 is on the minus strand). VCF-style: chr15-41396861-C-T. GRCh37 (hg19) VCF-style: chr15-41689059-C-T.
Other names: c.199G>A (NM_016013.2); short protein forms V67I.
Identifiers: ClinVar variation 1362095 (VCV001362095.14), dbSNP rs201452351, ClinGen allele CA7491379.